The following is an entry in ClinVar:

ClinVar aggregate classification (germline): Uncertain significance. Review status: criteria provided, multiple submitters, no conflicts (2 of 4 stars). 2 submissions from 2 submitters: Uncertain significance (2). Last evaluated 2026-04-20.

Conditions:
SRRM2-related disorder. Also called: SRRM2-related condition.
Inborn genetic diseases. Identifiers: MedGen C0950123, MeSH D030342.

Submissions (2):

PreventionGenetics, part of Exact Sciences
Classification: Uncertain significance for SRRM2-related condition. Last evaluated: 2026-04-20. Review status: criteria provided, single submitter. Criteria: ACMG Guidelines, 2015. Collection method: clinical testing. Allele origin: germline.
Comment: The SRRM2 c.7654T>G variant is predicted to result in the amino acid substitution p.Ser2552Ala. To our knowledge, this variant has not been reported in the literature. This variant is reported in 0.0019% of alleles in individuals of European (Non-Finnish) descent in gnomAD. At this time, the clinical significance of this variant is uncertain due to the absence of conclusive functional and genetic evidence.

Ambry Genetics
Classification: Uncertain significance for Inborn genetic diseases. Last evaluated: 2025-08-02. Review status: criteria provided, single submitter. Criteria: Ambry Variant Classification Scheme 2023. Collection method: clinical testing. Allele origin: germline.

NM_016333.4(SRRM2):c.7654T>G (p.Ser2552Ala)

Gene: SRRM2 (serine/arginine repetitive matrix 2; plus strand). Cytogenetic location: 16p13.3.
Variant type: single nucleotide variant.
Coding change: c.7654T>G on transcript NM_016333.4 (MANE Select); coding-DNA position 7654, T replaced by G.
Protein change: p.Ser2552Ala; replaces serine 2552 with alanine.
Molecular consequence: missense variant.
Genome position (GRCh38, 1-based): chr16:2,768,182, T>G. VCF-style: chr16-2768182-T-G. GRCh37 (hg19) VCF-style: chr16-2818183-T-G.
Other names: short protein forms S2552A.
Identifiers: ClinVar variation 4175134 (VCV004175134.2).
Genomic context (GRCh38, chr16:2,768,182, plus strand): 5'-AGTTCCTCCTCGTCGTCGTCGTCCTCTAGCTCCTCCTCTTCTTCATCATCGTCGTCGTCG[T>G]CCTCCTCCTCCTCTGGCTCCAGTTCTAGTGACTCAGAGGGCTCTAGCCTTCCTGTGCAAC-3'
Protein context (NP_057417.3, residues 2542-2562): SSSSSSSSSS[Ser2552Ala]SSSSGSSSSD